The following is an entry in ClinVar:

ClinVar aggregate classification (germline): Uncertain significance (1 of 4 stars; one submission).

Conditions:
Agammaglobulinemia 2, autosomal recessive (AGM2). Also called: AGAMMAGLOBULINEMIA, AUTOSOMAL RECESSIVE, DUE TO IGLL1 DEFECT. Identifiers: MedGen C3150750, MONDO:0013287, OMIM 613500.

gnomAD v4.1: 2 of 1,572,528 alleles (0.00013%); highest among the groups gnomAD compares: Non-Finnish European, 0.00017%; no homozygotes.

Submission:

Labcorp Genetics (formerly Invitae), Labcorp
Classification: Uncertain significance for Agammaglobulinemia 2, autosomal recessive. Last evaluated: 2023-10-24. Review status: criteria provided, single submitter. Criteria: Invitae Variant Classification Sherloc (09022015). Collection method: clinical testing. Allele origin: germline.
Comment: This sequence change replaces arginine, which is basic and polar, with leucine, which is neutral and non-polar, at codon 40 of the IGLL1 protein (p.Arg40Leu). The frequency data for this variant in the population databases is considered unreliable, as metrics indicate poor data quality at this position in the gnomAD database. This variant has not been reported in the literature in individuals affected with IGLL1-related conditions. An algorithm developed to predict the effect of missense changes on protein structure and function (PolyPhen-2) suggests that this variant is likely to be tolerated. Algorithms developed to predict the effect of sequence changes on RNA splicing suggest that this variant may create or strengthen a splice site. In summary, the available evidence is currently insufficient to determine the role of this variant in disease. Therefore, it has been classified as a Variant of Uncertain Significance.

NM_020070.4(IGLL1):c.119G>T (p.Arg40Leu)

Gene: IGLL1 (immunoglobulin lambda like polypeptide 1; minus strand). Cytogenetic location: 22q11.23.
Variant type: single nucleotide variant.
Coding change: c.119G>T on transcript NM_020070.4 (MANE Select); coding-DNA position 119, G replaced by T.
Protein change: p.Arg40Leu; replaces arginine 40 with leucine.
Molecular consequence: missense variant.
Genome position (GRCh38, 1-based): chr22:23,580,072, C>A on the plus strand (G>T on the coding strand, the complement: IGLL1 is on the minus strand). VCF-style: chr22-23580072-C-A. GRCh37 (hg19) VCF-style: chr22-23922259-C-A.
Other names: c.119G>T, p.Arg40Leu (NM_001369906.1, NM_152855.3); short protein forms R40L.
Identifiers: ClinVar variation 2771660 (VCV002771660.3), dbSNP rs375103902, ClinGen allele CA410899453.
Genomic context (GRCh38, chr22:23,580,072, plus strand): 5'-CGGCTGCTTCCTCCAGGGGCTCCAGGGCCCAGGGCCCTGCTCTGCGATGCAGCTGTTGGG[C>A]GCAGCAGGCCATGGGTTACCACGGCCAGACCCAGCAGCAGCAGGGGCCAGCGCTGCCTGA-3'
Protein context (NP_064455.1, residues 30-50): GLAVVTHGLL[Arg40Leu]PTAASQSRAL